The following is an entry in ClinVar:

NM_000979.4(RPL18):c.499G>A (p.Val167Ile)

Gene: RPL18 (ribosomal protein L18; minus strand). Cytogenetic location: 19q13.33.
Variant type: single nucleotide variant.
Coding change: c.499G>A on transcript NM_000979.4 (MANE Select); coding-DNA position 499, G replaced by A.
Protein change: p.Val167Ile; replaces valine 167 with isoleucine.
Molecular consequence: missense variant. On other transcripts: non-coding transcript variant (1).
Genome position (GRCh38, 1-based): chr19:48,615,440, C>T on the plus strand (G>A on the coding strand, the complement: RPL18 is on the minus strand). VCF-style: chr19-48615440-C-T. GRCh37 (hg19) VCF-style: chr19-49118697-C-T.
Other names: c.412G>A, p.Val138Ile (NM_001270490.2); short protein forms V167I, V138I.
Identifiers: ClinVar variation 2869545 (VCV002869545.3), dbSNP rs774339729, ClinGen allele CA9553959.

ClinVar aggregate classification (germline): Uncertain significance (1 of 4 stars; one submission).

Allele frequency attached by ClinVar (database versions not stated): gnomAD 0.00001; ExAC 0.00006.
gnomAD v4.1: 15 of 1,612,686 alleles (0.00093%); highest among the groups gnomAD compares: South Asian, 0.0066%; no homozygotes.

Submission:

Labcorp Genetics (formerly Invitae), Labcorp
Classification: Uncertain significance. Last evaluated: 2023-06-16. Review status: criteria provided, single submitter. Criteria: Invitae Variant Classification Sherloc (09022015). Collection method: clinical testing. Allele origin: germline.
Comment: In summary, the available evidence is currently insufficient to determine the role of this variant in disease. Therefore, it has been classified as a Variant of Uncertain Significance. An algorithm developed to predict the effect of missense changes on protein structure and function (PolyPhen-2) suggests that this variant is likely to be tolerated. This variant has not been reported in the literature in individuals affected with RPL18-related conditions. This variant is present in population databases (rs774339729, gnomAD 0.01%). This sequence change replaces valine, which is neutral and non-polar, with isoleucine, which is neutral and non-polar, at codon 167 of the RPL18 protein (p.Val167Ile).